The following is an entry in ClinVar:

ClinVar aggregate classification (germline): Uncertain significance (1 of 4 stars; one submission).

Submission:

GeneDx
Classification: Uncertain significance. Last evaluated: 2024-04-11. Review status: criteria provided, single submitter. Criteria: GeneDx Variant Classification Process June 2021. Collection method: clinical testing. Allele origin: germline. Affected: yes.
Comment: Not observed at significant frequency in large population cohorts (gnomAD); In silico analysis supports that this missense variant has a deleterious effect on protein structure/function; Has not been previously published as pathogenic or benign to our knowledge

NM_057175.5(NAA15):c.1505G>T (p.Gly502Val)

Gene: NAA15 (N-alpha-acetyltransferase 15, NatA auxiliary subunit; plus strand). Cytogenetic location: 4q31.1.
Variant type: single nucleotide variant.
Coding change: c.1505G>T on transcript NM_057175.5 (MANE Select); coding-DNA position 1505, G replaced by T.
Protein change: p.Gly502Val; replaces glycine 502 with valine.
Molecular consequence: missense variant.
Genome position (GRCh38, 1-based): chr4:139,360,594, G>T. VCF-style: chr4-139360594-G-T. GRCh37 (hg19) VCF-style: chr4-140281748-G-T.
Other names: c.1505G>T, p.Gly502Val (NM_001410842.1); short protein forms G502V.
Identifiers: ClinVar variation 3372477 (VCV003372477.1).